The following is an entry in ClinVar:

NM_001020658.2(PUM1):c.2009A>G (p.Asn670Ser)

Gene: PUM1 (pumilio RNA binding family member 1; minus strand). Cytogenetic location: 1p35.2.
Variant type: single nucleotide variant.
Coding change: c.2009A>G on transcript NM_001020658.2 (MANE Select); coding-DNA position 2009, A replaced by G.
Protein change: p.Asn670Ser; replaces asparagine 670 with serine.
Molecular consequence: missense variant.
Genome position (GRCh38, 1-based): chr1:30,966,059, T>C on the plus strand (A>G on the coding strand, the complement: PUM1 is on the minus strand). VCF-style: chr1-30966059-T-C. GRCh37 (hg19) VCF-style: chr1-31438906-T-C.
Other names: p.Asn670Ser; c.2009A>G, p.Asn670Ser (NM_014676.3); short protein forms N670S.
Identifiers: ClinVar variation 4684813 (VCV004684813.1).

ClinVar aggregate classification (germline): Likely benign (1 of 4 stars; one submission).

gnomAD v4.1: 21 of 1,614,084 alleles (0.0013%); highest among the groups gnomAD compares: African/African-American, 0.011%; no homozygotes.

Submission:

Mayo Clinic Laboratories, Mayo Clinic
Classification: Likely benign. Last evaluated: 2025-07-09. Review status: criteria provided, single submitter. Criteria: ACMG Guidelines, 2015. Collection method: clinical testing. Allele origin: germline. Observed: 1 variant allele.
Comment: BS2, BP4_moderate